The following is an entry in ClinVar:

ClinVar aggregate classification (germline): Uncertain significance (1 of 4 stars; one submission).

Conditions:
Febrile seizures, familial, 8 (FEB8). Also called: CONVULSIONS, FAMILIAL FEBRILE, 8. Identifiers: Orphanet 36387, MedGen C1969810, MONDO:0011891, OMIM 607681.
EPILEPSY, CHILDHOOD ABSENCE, SUSCEPTIBILITY TO, 2 (ECA2). Identifiers: Orphanet 64280, MedGen C1843244, OMIM 607681.

Submission:

Labcorp Genetics (formerly Invitae), Labcorp
Classification: Uncertain significance for Febrile seizures, familial, 8; EPILEPSY, CHILDHOOD ABSENCE, SUSCEPTIBILITY TO, 2. Last evaluated: 2024-01-25. Review status: criteria provided, single submitter. Criteria: Invitae Variant Classification Sherloc (09022015). Collection method: clinical testing. Allele origin: germline.
Comment: This sequence change replaces threonine, which is neutral and polar, with alanine, which is neutral and non-polar, at codon 279 of the GABRG2 protein (p.Thr279Ala). This variant is not present in population databases (gnomAD no frequency). This variant has not been reported in the literature in individuals affected with GABRG2-related conditions. Advanced modeling of protein sequence and biophysical properties (such as structural, functional, and spatial information, amino acid conservation, physicochemical variation, residue mobility, and thermodynamic stability) performed at Invitae indicates that this missense variant is expected to disrupt GABRG2 protein function with a positive predictive value of 95%. In summary, the available evidence is currently insufficient to determine the role of this variant in disease. Therefore, it has been classified as a Variant of Uncertain Significance.

NM_198904.4(GABRG2):c.835A>G (p.Thr279Ala)

Gene: GABRG2 (gamma-aminobutyric acid type A receptor subunit gamma2; plus strand). Cytogenetic location: 5q34.
Variant type: single nucleotide variant.
Coding change: c.835A>G on transcript NM_198904.4 (MANE Select); coding-DNA position 835, A replaced by G.
Protein change: p.Thr279Ala; replaces threonine 279 with alanine.
Molecular consequence: missense variant.
Genome position (GRCh38, 1-based): chr5:162,142,229, A>G. VCF-style: chr5-162142229-A-G. GRCh37 (hg19) VCF-style: chr5-161569235-A-G.
Other names: c.835A>G, p.Thr279Ala (NM_000816.3, NM_001375340.1); c.826A>G, p.Thr276Ala (NM_001375339.1); c.832A>G, p.Thr278Ala (NM_001375341.1, NM_001375342.1); c.955A>G, p.Thr319Ala (NM_001375343.1, NM_198903.2); c.874A>G, p.Thr292Ala (NM_001375344.1); c.769A>G, p.Thr257Ala (NM_001375345.1, NM_001375346.1); c.748A>G, p.Thr250Ala (NM_001375347.1); c.415A>G, p.Thr139Ala (NM_001375348.1, NM_001375350.1); and 1 more; short protein forms T278A, T184A, T250A, T292A, T139A, T279A, T257A, T276A.
Identifiers: ClinVar variation 2922428 (VCV002922428.3), dbSNP rs1202409207, ClinGen allele CA362182090.